The following is an entry in ClinVar:

ClinVar aggregate classification (germline): Likely pathogenic (1 of 4 stars; one submission).
ClinVar aggregate classification (somatic clinical impact): Tier II - Potential (1 of 4 stars; one submission).

Conditions:
IDH-wildtype glioblastoma. Identifiers: MedGen CN372125, MONDO:0850335.

Submissions (2):

GeneDx
Classification: Likely pathogenic. Last evaluated: 2026-04-08. Review status: criteria provided, single submitter. Criteria: GeneDx Variant Classification Process June 2021. Collection method: clinical testing. Allele origin: germline.
Comment: Not observed at significant frequency in large population cohorts (gnomAD); In silico analysis supports a deleterious effect on splicing; Has not been previously published as pathogenic or benign to our knowledge

Institute for Genomic Medicine (IGM) Clinical Laboratory, Nationwide Children's Hospital
Classification: Tier II - Potential for IDH-wildtype glioblastoma. Assertion type: diagnostic. Clinical significance: supports diagnosis. Last evaluated: 2022-10-07. Review status: criteria provided, single submitter. Criteria: AMP/ASCO/CAP Guidelines, 2017. Collection method: clinical testing. Allele origin: somatic. Affected: yes.
Comment: Variant has Tier II (potential) clinical significance as a diagnostic inclusion criterion in IDH-wildtype glioblastoma, based on the following evidence: 1) Information in the literature supports potential biologic effect of variant (PMIDs: 33723438, 15225548, 15385962). 2) Diagnostic significance based on multiple small studies (Evidence Level C; PMIDs: 24120142, 25240281, 34692515, 25119042).

Literature cited by the submitters: PubMed 33723438 (cited by Institute for Genomic Medicine (IGM) Clinical Laboratory, Nationwide Children's Hospital); PubMed 15225548 (cited by Institute for Genomic Medicine (IGM) Clinical Laboratory, Nationwide Children's Hospital); PubMed 15385962 (cited by Institute for Genomic Medicine (IGM) Clinical Laboratory, Nationwide Children's Hospital); PubMed 24120142 (cited by Institute for Genomic Medicine (IGM) Clinical Laboratory, Nationwide Children's Hospital); PubMed 25240281 (cited by Institute for Genomic Medicine (IGM) Clinical Laboratory, Nationwide Children's Hospital); PubMed 34692515 (cited by Institute for Genomic Medicine (IGM) Clinical Laboratory, Nationwide Children's Hospital); PubMed 25119042 (cited by Institute for Genomic Medicine (IGM) Clinical Laboratory, Nationwide Children's Hospital).

NM_015355.4(SUZ12):c.1437+3_1437+6del

Gene: SUZ12 (SUZ12 polycomb repressive complex 2 subunit; plus strand). Cytogenetic location: 17q11.2.
Variant type: Deletion.
Coding change: c.1437+3_1437+6del on transcript NM_015355.4 (MANE Select); bases 3 to 6 of the intron after coding-DNA position 1437, 4 bases deleted (GAGT; older notation c.1437+3_1437+6delGAGT).
Molecular consequence: splice donor variant.
Genome position (GRCh38, 1-based): chr17:31,994,011-31,994,014, GAGT deleted; deleting any 4 consecutive bases within chr17:31,994,009-31,994,014 gives the same sequence; the c. name uses the placement nearest the transcript's 3' end. VCF-style (leftmost placement, unchanged base first): chr17-31994008-TGTGA-T. GRCh37 (hg19) VCF-style: chr17-30321027-TGTGA-T.
Other names: c.1368+3_1368+6del (NM_001321207.2).
Identifiers: ClinVar variation 2504886 (VCV002504886.3), dbSNP rs2508679655, ClinGen allele CA2580614106.